The following is an entry in ClinVar:

ClinVar aggregate classification (germline): Uncertain significance (1 of 4 stars; one submission).

Conditions:
Hereditary cancer-predisposing syndrome. Also called: Tumor predisposition; Neoplastic Syndromes, Hereditary; Hereditary neoplastic syndrome; Hereditary Cancer Syndrome. Identifiers: Orphanet 140162, MedGen C0027672, MeSH D009386, MONDO:0015356.

Submission:

Ambry Genetics
Classification: Uncertain significance for Hereditary cancer-predisposing syndrome. Last evaluated: 2025-08-27. Review status: criteria provided, single submitter. Criteria: Ambry Variant Classification Scheme 2023. Collection method: clinical testing. Allele origin: germline.
Comment: The p.E441G variant (also known as c.1322A>G), located in coding exon 13 of the MUTYH gene, results from an A to G substitution at nucleotide position 1322. The glutamic acid at codon 441 is replaced by glycine, an amino acid with similar properties. This amino acid position is conserved. In addition, this alteration is predicted to be tolerated by in silico analysis. Based on the available evidence, the clinical significance of this variant remains unclear.

NM_001048174.2(MUTYH):c.1238A>G (p.Glu413Gly)

Gene: MUTYH (mutY DNA glycosylase; minus strand). Cytogenetic location: 1p34.1.
Variant type: single nucleotide variant.
Coding change: c.1238A>G on transcript NM_001048174.2 (MANE Select); coding-DNA position 1238, A replaced by G.
Protein change: p.Glu413Gly; replaces glutamic acid 413 with glycine.
Molecular consequence: missense variant. On other transcripts: non-coding transcript variant (7).
Genome position (GRCh38, 1-based): chr1:45,331,421, T>C on the plus strand (A>G on the coding strand, the complement: MUTYH is on the minus strand). VCF-style: chr1-45331421-T-C. GRCh37 (hg19) VCF-style: chr1-45797093-T-C.
Other names: c.1199A>G, p.Glu400Gly (NM_001407079.1); c.1196A>G, p.Glu399Gly (NM_001407080.1); c.1238A>G, p.Glu413Gly (NM_001407081.1, NM_001407088.1, NM_001407089.1 and 6 more transcripts); c.893A>G, p.Glu298Gly (NM_001407082.1, NM_001350650.2, NM_001350651.2); c.1280A>G, p.Glu427Gly (NM_001407083.1, NM_001407085.1); c.1241A>G, p.Glu414Gly (NM_001407086.1, NM_001407078.1, NM_001048172.2 and 1 more transcripts); c.1259A>G, p.Glu420Gly (NM_001407087.1); c.962A>G, p.Glu321Gly (NM_001407091.1, NM_001293192.2, NM_001293196.2); and 5 more; short protein forms E385G, E399G, E414G, E298G, E321G, E424G, E413G, E420G.
Identifiers: ClinVar variation 4113175 (VCV004113175.1).
Genomic context (GRCh38, chr1:45,331,421, plus strand): 5'-TAGGCCTGTGGATATAGCCTCAAAAGCCAACATCCTTGGCTATTCCGCTGCTCACTTACC[T>C]CCCCAAGGTGCCGGAGGTGCGTGGCTGGGAGGGGCCCAGCCCAACGCTGTAGTTCCTGCA-3'
Protein context (NP_001041639.1, residues 403-423): LPATHLRHLG[Glu413Gly]VVHTFSHIKL